The following is an entry in ClinVar:

NM_007294.4(BRCA1):c.2545G>C (p.Glu849Gln)

Gene: BRCA1 (BRCA1 DNA repair associated; minus strand). Cytogenetic location: 17q21.31.
Variant type: single nucleotide variant.
Coding change: c.2545G>C on transcript NM_007294.4 (MANE Select); coding-DNA position 2545, G replaced by C.
Protein change: p.Glu849Gln; replaces glutamic acid 849 with glutamine.
Molecular consequence: missense variant. On other transcripts: intron variant (137).
Genome position (GRCh38, 1-based): chr17:43,092,986, C>G on the plus strand (G>C on the coding strand, the complement: BRCA1 is on the minus strand). VCF-style: chr17-43092986-C-G. GRCh37 (hg19) VCF-style: chr17-41245003-C-G.
Other names: c.404-1954G>C (NM_001408511.1); c.646+1758G>C (NM_001408457.1, NM_001408454.1, NM_001408460.1 and 11 more transcripts); c.706+1758G>C (NM_001408413.1, NM_001408416.1); c.586+1758G>C (NM_001408476.1, NM_001408474.1); c.545-1954G>C (NM_001408495.1); c.520+1758G>C (NM_001408505.1, NM_001408503.1, NM_001408504.1); c.461-1954G>C (NM_001408507.1, NM_001408506.1); c.661+1758G>C (NM_001408448.1, NM_001408446.1, NM_001408435.1 and 6 more transcripts); and 41 more; short protein forms E722Q, E778Q, E782Q, E807Q, E808Q, E846Q, E681Q, E721Q.
Identifiers: ClinVar variation 2565339 (VCV002565339.2), dbSNP rs80356951, ClinGen allele CA10596904.

ClinVar aggregate classification (germline): Uncertain significance (1 of 4 stars; one submission).

Conditions:
Hereditary cancer-predisposing syndrome. Also called: Neoplastic Syndromes, Hereditary; Hereditary Cancer Syndrome; Hereditary neoplastic syndrome; Tumor predisposition. Identifiers: Orphanet 140162, MedGen C0027672, MeSH D009386, MONDO:0015356.

Submission:

Ambry Genetics
Classification: Uncertain significance for Hereditary cancer-predisposing syndrome. Last evaluated: 2023-04-24. Review status: criteria provided, single submitter. Criteria: Ambry Variant Classification Scheme 2023. Collection method: clinical testing. Allele origin: germline.
Comment: The p.E849Q variant (also known as c.2545G>C), located in coding exon 9 of the BRCA1 gene, results from a G to C substitution at nucleotide position 2545. The glutamic acid at codon 849 is replaced by glutamine, an amino acid with highly similar properties. This amino acid position is not well conserved in available vertebrate species. In addition, the in silico prediction for this alteration is inconclusive. Since supporting evidence is limited at this time, the clinical significance of this alteration remains unclear.